The following is an entry in ClinVar:

ClinVar aggregate classification (germline): Uncertain significance. Review status: criteria provided, multiple submitters, no conflicts (2 of 4 stars). 2 submissions from 2 submitters: Uncertain significance (2). Last evaluated 2025-04-10.

Conditions:
Cardiovascular phenotype. Identifiers: MedGen CN230736.
Brugada syndrome 8 (BRGDA8). Identifiers: Orphanet 130, MedGen C2751083, MONDO:0013148, OMIM 613123.

Submissions (2):

Labcorp Genetics (formerly Invitae), Labcorp
Classification: Uncertain significance for Brugada syndrome 8. Last evaluated: 2025-04-10. Review status: criteria provided, single submitter. Criteria: Invitae Variant Classification Sherloc (09022015). Collection method: clinical testing. Allele origin: germline.
Comment: This sequence change replaces proline, which is neutral and non-polar, with leucine, which is neutral and non-polar, at codon 1179 of the HCN4 protein (p.Pro1179Leu). This variant is not present in population databases (gnomAD no frequency). This variant has not been reported in the literature in individuals affected with HCN4-related conditions. ClinVar contains an entry for this variant (Variation ID: 1732403). Invitae Evidence Modeling of protein sequence and biophysical properties (such as structural, functional, and spatial information, amino acid conservation, physicochemical variation, residue mobility, and thermodynamic stability) indicates that this missense variant is not expected to disrupt HCN4 protein function with a negative predictive value of 95%. In summary, the available evidence is currently insufficient to determine the role of this variant in disease. Therefore, it has been classified as a Variant of Uncertain Significance.

Ambry Genetics
Classification: Uncertain significance for Cardiovascular phenotype. Last evaluated: 2025-03-07. Review status: criteria provided, single submitter. Criteria: Ambry Variant Classification Scheme 2023. Collection method: clinical testing. Allele origin: germline.

NM_005477.3(HCN4):c.3536C>T (p.Pro1179Leu)

Gene: HCN4 (hyperpolarization activated cyclic nucleotide gated potassium channel 4; minus strand). Cytogenetic location: 15q24.1.
Variant type: single nucleotide variant.
Coding change: c.3536C>T on transcript NM_005477.3 (MANE Select); coding-DNA position 3536, C replaced by T.
Protein change: p.Pro1179Leu; replaces proline 1179 with leucine.
Molecular consequence: missense variant.
Genome position (GRCh38, 1-based): chr15:73,322,557, G>A on the plus strand (C>T on the coding strand, the complement: HCN4 is on the minus strand). VCF-style: chr15-73322557-G-A. GRCh37 (hg19) VCF-style: chr15-73614898-G-A.
Other names: short protein forms P1179L.
Identifiers: ClinVar variation 1732403 (VCV001732403.7), dbSNP rs2549067756, ClinGen allele CA393084961.
Genomic context (GRCh38, chr15:73,322,557, plus strand): 5'-AGTTTGGAGCGCACTGGCTCAGGCCTGGCCCCAGGTTCCCTCTGGGGTCCAGCAGTCAGA[G>A]GGGGCCCCCCAGAAGAGGTGGCTCTTGCCCCAAACAAAGACAGAGGGGGTGGCAAAGAAC-3'
Protein context (NP_005468.1, residues 1169-1189): GARATSSGGP[Pro1179Leu]LTAGPQREPG